The following is an entry in ClinVar:

ClinVar aggregate classification (germline): Uncertain significance (1 of 4 stars; one submission).

Submission:

Labcorp Genetics (formerly Invitae), Labcorp
Classification: Uncertain significance. Last evaluated: 2022-02-05. Review status: criteria provided, single submitter. Criteria: Invitae Variant Classification Sherloc (09022015). Collection method: clinical testing. Allele origin: germline.
Comment: Algorithms developed to predict the effect of missense changes on protein structure and function output the following: SIFT: "Tolerated"; PolyPhen-2: "Benign"; Align-GVGD: "Class C0". The asparagine amino acid residue is found in multiple mammalian species, which suggests that this missense change does not adversely affect protein function. In summary, the available evidence is currently insufficient to determine the role of this variant in disease. Therefore, it has been classified as a Variant of Uncertain Significance. This variant has not been reported in the literature in individuals affected with POLA1-related conditions. This variant is not present in population databases (gnomAD no frequency). This sequence change replaces lysine, which is basic and polar, with asparagine, which is neutral and polar, at codon 284 of the POLA1 protein (p.Lys284Asn).

NM_001330360.2(POLA1):c.870A>T (p.Lys290Asn)

Gene: POLA1 (DNA polymerase alpha 1, catalytic subunit; plus strand). Cytogenetic location: Xp22.11.
Variant type: single nucleotide variant.
Coding change: c.870A>T on transcript NM_001330360.2 (MANE Select); coding-DNA position 870, A replaced by T.
Protein change: p.Lys290Asn; replaces lysine 290 with asparagine.
Molecular consequence: missense variant. On other transcripts: non-coding transcript variant (2).
Genome position (GRCh38, 1-based): chrX:24,717,453, A>T. VCF-style: chrX-24717453-A-T. GRCh37 (hg19) VCF-style: chrX-24735570-A-T.
Other names: c.870A>T, p.Lys290Asn (NM_001378303.1); c.852A>T, p.Lys284Asn (NM_016937.4); short protein forms K290N, K284N.
Identifiers: ClinVar variation 1403483 (VCV001403483.8), dbSNP rs1929923622, ClinGen allele CA412530630.